The following is an entry in ClinVar:

ClinVar aggregate classification (germline): Uncertain significance. Review status: criteria provided, multiple submitters, no conflicts (2 of 4 stars). 2 submissions from 2 submitters: Uncertain significance (2). Last evaluated 2025-05-18.

Conditions:
Inborn genetic diseases. Identifiers: MedGen C0950123, MeSH D030342.

Allele frequency attached by ClinVar (database versions not stated): gnomAD 0.00001; gnomAD exomes below 0.00001; TOPMed 0.00001.
gnomAD v4.1: 1 of 1,608,480 alleles (0.000062%); highest among the groups gnomAD compares: Non-Finnish European, 0.000085%; no homozygotes.

Submissions (2):

Ambry Genetics
Classification: Uncertain significance for Inborn genetic diseases. Last evaluated: 2025-05-18. Review status: criteria provided, single submitter. Criteria: Ambry Variant Classification Scheme 2023. Collection method: clinical testing. Allele origin: germline.

Labcorp Genetics (formerly Invitae), Labcorp
Classification: Uncertain significance. Last evaluated: 2022-09-27. Review status: criteria provided, single submitter. Criteria: Invitae Variant Classification Sherloc (09022015). Collection method: clinical testing. Allele origin: germline.
Comment: In summary, the available evidence is currently insufficient to determine the role of this variant in disease. Therefore, it has been classified as a Variant of Uncertain Significance. Algorithms developed to predict the effect of sequence changes on RNA splicing suggest that this variant may create or strengthen a splice site. Algorithms developed to predict the effect of missense changes on protein structure and function are either unavailable or do not agree on the potential impact of this missense change (SIFT: "Deleterious"; PolyPhen-2: "Possibly Damaging"; Align-GVGD: "Class C0"). ClinVar contains an entry for this variant (Variation ID: 1393617). This variant has not been reported in the literature in individuals affected with HELLS-related conditions. This variant is not present in population databases (gnomAD no frequency). This sequence change replaces methionine, which is neutral and non-polar, with valine, which is neutral and non-polar, at codon 337 of the HELLS protein (p.Met337Val).

NM_018063.5(HELLS):c.1009A>G (p.Met337Val)

Gene: HELLS (helicase, lymphoid specific; plus strand). Cytogenetic location: 10q23.33.
Variant type: single nucleotide variant.
Coding change: c.1009A>G on transcript NM_018063.5 (MANE Select); coding-DNA position 1009, A replaced by G.
Protein change: p.Met337Val; replaces methionine 337 with valine.
Molecular consequence: missense variant. On other transcripts: 5 prime UTR variant (1), intron variant (3).
Genome position (GRCh38, 1-based): chr10:94,576,782, A>G. VCF-style: chr10-94576782-A-G. GRCh37 (hg19) VCF-style: chr10-96336539-A-G.
Other names: c.1009A>G, p.Met337Val (NM_001289067.2, NM_001289070.2); c.961A>G, p.Met321Val (NM_001289068.2); c.637A>G, p.Met213Val (NM_001289071.2); c.595A>G, p.Met199Val (NM_001289073.2); c.-13A>G (NM_001289075.2); c.-67+73A>G (NM_001289074.2); c.936+73A>G (NM_001289069.2, NM_001289072.2); c.1009A>G (NM_018063.3); short protein forms M213V, M321V, M199V, M337V.
Identifiers: ClinVar variation 1393617 (VCV001393617.6), dbSNP rs1844510754, ClinGen allele CA377661258.
Genomic context (GRCh38, chr10:94,576,782, plus strand): 5'-TACAAACGGAAAGGGACTTTGCAGATTCATCCTGTGGTAATCACGTCATTTGAAATAGCC[A>G]TGAGAGACCGAAATGCGTTACAGGTACAAATGATCTTCATTGGTTTCTTTGTAATACATA-3'
Protein context (NP_060533.2, residues 327-347): PVVITSFEIA[Met337Val]RDRNALQHCY